The following is an entry in ClinVar:

ClinVar aggregate classification (germline): Pathogenic (1 of 4 stars; one submission).

Conditions:
Familial adenomatous polyposis 1 (FAP1). Also called: POLYPOSIS, ADENOMATOUS INTESTINAL; FAMILIAL ADENOMATOUS POLYPOSIS 1, ATTENUATED. Identifiers: MedGen C2713442, MONDO:0021056, OMIM 175100. Disease mechanism: loss of function.

Submission:

Myriad Genetics, Inc.
Classification: Pathogenic for Familial adenomatous polyposis 1. Last evaluated: 2026-07-28. Review status: criteria provided, single submitter. Criteria: Myriad Autosomal Dominant, Autosomal Recessive and X-Linked Classification Criteria (2023). Collection method: clinical testing. Allele origin: unknown.
Comment: This variant is considered pathogenic. This variant creates a frameshift predicted to result in premature protein truncation.

NM_000038.6(APC):c.1018_1019dup (p.Gln341fs)

Gene: APC (APC regulator of Wnt signaling pathway; plus strand). Cytogenetic location: 5q22.2.
Variant type: Duplication.
Coding change: c.1018_1019dup on transcript NM_000038.6 (MANE Select); coding-DNA positions 1018 to 1019, 2 bases duplicated (TC; older notation c.1018_1019dupTC).
Protein change: p.Gln341fs; shifts the reading frame from glutamine 341.
Molecular consequence: frameshift variant. On other transcripts: non-coding transcript variant (2), intron variant (15).
Genome position (GRCh38, 1-based): chr5:112,819,050-112,819,051, TC duplicated; duplicating any 2 consecutive bases within chr5:112,819,049-112,819,051 gives the same sequence; the c. name uses the placement nearest the transcript's 3' end. VCF-style (leftmost placement, unchanged base first): chr5-112819048-G-GCT. GRCh37 (hg19) VCF-style: chr5-112154745-G-GCT.
Other names: c.1018_1019dup, p.Gln341fs (NM_001127510.3, NM_001354895.2, NM_001354896.2 and 4 more transcripts); c.964_965dup, p.Gln323fs (NM_001127511.3); c.1048_1049dup, p.Gln351fs (NM_001354897.2, NM_001407446.1); c.943_944dup, p.Gln316fs (NM_001354898.2, NM_001407451.1); c.934_935dup, p.Gln313fs (NM_001354899.2, NM_001407452.1); c.841_842dup, p.Gln282fs (NM_001354900.2, NM_001354901.2, NM_001407453.1); c.169_170dup, p.Gln58fs (NM_001354906.2, NM_001407470.1); c.85-219_85-218dup (NM_001407472.1, NM_001407471.1); and 5 more; short protein forms Q282fs, Q313fs, Q316fs, Q323fs, Q341fs, Q351fs, Q58fs.
Identifiers: ClinVar variation 5042225 (VCV005042225.1).